The following is an entry in ClinVar:

ClinVar aggregate classification (germline): Uncertain significance (1 of 4 stars; one submission).

Conditions:
Bethlem myopathy 1A. Also called: MYOPATHY, BENIGN CONGENITAL, WITH CONTRACTURES; Bethlem Muscular Dystrophy; Bethlem myopathy 1. Identifiers: Orphanet 610, MedGen CN029274, MONDO:0024530, OMIM 158810.

Allele frequency attached by ClinVar (database versions not stated): gnomAD exomes below 0.00001; TOPMed below 0.00001; gnomAD 0.00001.
gnomAD v4.1: 2 of 1,614,056 alleles (0.00012%); highest among the groups gnomAD compares: Non-Finnish European, 0.00017%; no homozygotes.

Submission:

Labcorp Genetics (formerly Invitae), Labcorp
Classification: Uncertain significance for Bethlem myopathy 1A. Last evaluated: 2024-09-20. Review status: criteria provided, single submitter. Criteria: Invitae Variant Classification Sherloc (09022015). Collection method: clinical testing. Allele origin: germline.
Comment: This sequence change replaces asparagine, which is neutral and polar, with serine, which is neutral and polar, at codon 2559 of the COL6A3 protein (p.Asn2559Ser). This variant is not present in population databases (gnomAD no frequency). This variant has not been reported in the literature in individuals affected with COL6A3-related conditions. ClinVar contains an entry for this variant (Variation ID: 1417895). Invitae Evidence Modeling of protein sequence and biophysical properties (such as structural, functional, and spatial information, amino acid conservation, physicochemical variation, residue mobility, and thermodynamic stability) has been performed for this missense variant. However, the output from this modeling did not meet the statistical confidence thresholds required to predict the impact of this variant on COL6A3 protein function. In summary, the available evidence is currently insufficient to determine the role of this variant in disease. Therefore, it has been classified as a Variant of Uncertain Significance.

NM_004369.4(COL6A3):c.7676A>G (p.Asn2559Ser)

Gene: COL6A3 (collagen type VI alpha 3 chain; minus strand). Cytogenetic location: 2q37.3.
Variant type: single nucleotide variant.
Coding change: c.7676A>G on transcript NM_004369.4 (MANE Select); coding-DNA position 7676, A replaced by G.
Protein change: p.Asn2559Ser; replaces asparagine 2559 with serine.
Molecular consequence: missense variant.
Genome position (GRCh38, 1-based): chr2:237,342,154, T>C on the plus strand (A>G on the coding strand, the complement: COL6A3 is on the minus strand). VCF-style: chr2-237342154-T-C. GRCh37 (hg19) VCF-style: chr2-238250797-T-C.
Other names: c.5855A>G, p.Asn1952Ser (NM_057166.5); c.7058A>G, p.Asn2353Ser (NM_057167.4); short protein forms N1952S, N2559S, N2353S.
Identifiers: ClinVar variation 1417895 (VCV001417895.8), dbSNP rs1009561726, ClinGen allele CA67837172.
Genomic context (GRCh38, chr2:237,342,154, plus strand): 5'-TCCAGGAAGTCTGTGAGGTCTCTCCCTGCAGGCAGGACAAGCGCATGCCCCACTGCTGTG[T>C]TATTGATCTGGTTTAAACAAAAGAACAATTTTGGTAGGGGCGTACATGATCAGTAATATC-3'
Protein context (NP_004360.2, residues 2549-2569): RQLINALQIN[Asn2559Ser]TAVGHALVLP